The following is an entry in ClinVar:

ClinVar aggregate classification (germline): Uncertain significance (1 of 4 stars; one submission).

Allele frequency attached by ClinVar (database versions not stated): ExAC 0.00001; gnomAD 0.00001.
gnomAD v4.1: 1 of 1,614,000 alleles (0.000062%); highest among the groups gnomAD compares: Non-Finnish European, 0.000085%; no homozygotes.

Submission:

Labcorp Genetics (formerly Invitae), Labcorp
Classification: Uncertain significance. Last evaluated: 2022-02-18. Review status: criteria provided, single submitter. Criteria: Invitae Variant Classification Sherloc (09022015). Collection method: clinical testing. Allele origin: germline.
Comment: This variant has not been reported in the literature in individuals affected with PRPF31-related conditions. This variant is present in population databases (rs779212742, gnomAD 0.0009%). This sequence change replaces glycine, which is neutral and non-polar, with serine, which is neutral and polar, at codon 491 of the PRPF31 protein (p.Gly491Ser). Algorithms developed to predict the effect of missense changes on protein structure and function output the following: SIFT: "Tolerated"; PolyPhen-2: "Benign"; Align-GVGD: "Class C0". The serine amino acid residue is found in multiple mammalian species, which suggests that this missense change does not adversely affect protein function. In summary, the available evidence is currently insufficient to determine the role of this variant in disease. Therefore, it has been classified as a Variant of Uncertain Significance.

NM_015629.4(PRPF31):c.1471G>A (p.Gly491Ser)

Gene: PRPF31 (pre-mRNA processing factor 31; plus strand). Cytogenetic location: 19q13.42.
Variant type: single nucleotide variant.
Coding change: c.1471G>A on transcript NM_015629.4 (MANE Select); coding-DNA position 1471, G replaced by A.
Protein change: p.Gly491Ser; replaces glycine 491 with serine.
Molecular consequence: missense variant.
Genome position (GRCh38, 1-based): chr19:54,131,403, G>A. VCF-style: chr19-54131403-G-A. GRCh37 (hg19) VCF-style: chr19-54634834-G-A.
Other names: short protein forms G491S.
Identifiers: ClinVar variation 2092129 (VCV002092129.4), dbSNP rs779212742, ClinGen allele CA309332381.